The following is an entry in ClinVar:

ClinVar aggregate classification (germline): Conflicting classifications of pathogenicity. Review status: criteria provided, conflicting classifications (1 of 4 stars). 5 submissions from 5 submitters: Uncertain significance (3); Likely benign (1). 1 of the submissions does not count toward it. Last evaluated 2025-12-17.

Conditions:
Inborn genetic diseases. Identifiers: MedGen C0950123, MeSH D030342.
Short-rib thoracic dysplasia 10 with or without polydactyly (SRTD10). Identifiers: Orphanet 474, MedGen C3810175, MONDO:0014284, OMIM 615630.
Bardet-Biedl syndrome 20. Identifiers: MedGen C4310707, MONDO:0023670, OMIM 619471, MONDO:0014926.
Retinitis pigmentosa 71 (RP71). Identifiers: Orphanet 791, MedGen C4225342, MONDO:0014618, OMIM 616394.
IFT172-related disorder. Also called: IFT172-related disorders; IFT172-related condition.

Allele frequency attached by ClinVar (database versions not stated): gnomAD exomes 0.00002 and 0.00004; ExAC 0.00003; gnomAD 0.00003 and 0.00004; TOPMed 0.00005; 1000 Genomes Project 30x 0.00016; 1000 Genomes Project 0.00020.
gnomAD v4.1: 35 of 1,613,940 alleles (0.0022%); highest among the groups gnomAD compares: South Asian, 0.0055%; no homozygotes.

Submissions (5):

Labcorp Genetics (formerly Invitae), Labcorp
Classification: Likely benign for Retinitis pigmentosa 71; Short-rib thoracic dysplasia 10 with or without polydactyly. Last evaluated: 2025-12-17. Review status: criteria provided, single submitter. Criteria: Invitae Variant Classification Sherloc (09022015). Collection method: clinical testing. Allele origin: germline.

Blueprint Genetics
Classification: Uncertain significance. Last evaluated: 2024-07-02. Review status: criteria provided, single submitter. Criteria: ACMG Guidelines, 2015. Collection method: clinical testing. Allele origin: germline.

Fulgent Genetics
Classification: Uncertain significance for Short-rib thoracic dysplasia 10 with or without polydactyly; Retinitis pigmentosa 71; Bardet-Biedl syndrome 20. Last evaluated: 2024-03-29. Review status: criteria provided, single submitter. Criteria: ACMG Guidelines, 2015. Collection method: clinical testing. Allele origin: germline.

Ambry Genetics
Classification: Uncertain significance for Inborn genetic diseases. Last evaluated: 2023-03-20. Review status: criteria provided, single submitter. Criteria: Ambry Variant Classification Scheme 2023. Collection method: clinical testing. Allele origin: germline.

PreventionGenetics, part of Exact Sciences
Classification: Uncertain significance for IFT172-related condition. Last evaluated: 2024-02-08. Review status: no assertion criteria provided. Collection method: clinical testing. Allele origin: germline. Not counted in ClinVar's aggregate classification.
Comment: The IFT172 c.4492G>A variant is predicted to result in the amino acid substitution p.Glu1498Lys. To our knowledge, this variant has not been reported in the literature. This variant is reported in 0.012% of alleles in individuals of African descent in gnomAD. At this time, the clinical significance of this variant is uncertain due to the absence of conclusive functional and genetic evidence.

NM_015662.3(IFT172):c.4492G>A (p.Glu1498Lys)

Gene: IFT172 (intraflagellar transport 172; minus strand). Cytogenetic location: 2p23.3.
Variant type: single nucleotide variant.
Coding change: c.4492G>A on transcript NM_015662.3 (MANE Select); coding-DNA position 4492, G replaced by A.
Protein change: p.Glu1498Lys; replaces glutamic acid 1498 with lysine.
Molecular consequence: missense variant.
Genome position (GRCh38, 1-based): chr2:27,447,859, C>T on the plus strand (G>A on the coding strand, the complement: IFT172 is on the minus strand). VCF-style: chr2-27447859-C-T. GRCh37 (hg19) VCF-style: chr2-27670726-C-T.
Other names: c.4492G>A (NM_015662.1, NM_015662.2); short protein forms E1498K.
Identifiers: ClinVar variation 1359208 (VCV001359208.12), dbSNP rs557292146, ClinGen allele CA1579592.